The following is an entry in ClinVar:

ClinVar aggregate classification (germline): Uncertain significance (1 of 4 stars; one submission).

Submission:

GeneDx
Classification: Uncertain significance. Last evaluated: 2026-03-10. Review status: criteria provided, single submitter. Criteria: GeneDx Variant Classification Process June 2021. Collection method: clinical testing. Allele origin: germline.
Comment: Not observed at significant frequency in large population cohorts (gnomAD); In silico analysis supports that this missense variant has a deleterious effect on protein structure/function; Has not been previously published as pathogenic or benign to our knowledge

NM_015001.3(SPEN):c.1510A>G (p.Asn504Asp)

Gene: SPEN (spen family transcriptional repressor; plus strand). Cytogenetic location: 1p36.13.
Variant type: single nucleotide variant.
Coding change: c.1510A>G on transcript NM_015001.3 (MANE Select); coding-DNA position 1510, A replaced by G.
Protein change: p.Asn504Asp; replaces asparagine 504 with aspartic acid.
Molecular consequence: missense variant.
Genome position (GRCh38, 1-based): chr1:15,919,040, A>G. VCF-style: chr1-15919040-A-G. GRCh37 (hg19) VCF-style: chr1-16245535-A-G.
Other names: short protein forms N504D.
Identifiers: ClinVar variation 5008654 (VCV005008654.1).
Genomic context (GRCh38, chr1:15,919,040, plus strand): 5'-TGTGATATTGCTAGCGTTTGTAAAGCTATTAAGAAGATGGATGGGGAATATCTTGGAAAT[A>G]ATCGCCTCAAGGTAAATGAATTTGCATAAATTATTGTGCTGTTATGATTTGCTTTGTTTT-3'
Protein context (NP_055816.2, residues 494-514): KKMDGEYLGN[Asn504Asp]RLKLGFGKSM